The following is an entry in ClinVar:

NM_000138.5(FBN1):c.7168T>C (p.Cys2390Arg)

Gene: FBN1 (fibrillin 1; minus strand). Cytogenetic location: 15q21.1.
Variant type: single nucleotide variant.
Coding change: c.7168T>C on transcript NM_000138.5 (MANE Select); coding-DNA position 7168, T replaced by C.
Protein change: p.Cys2390Arg; replaces cysteine 2390 with arginine.
Molecular consequence: missense variant.
Genome position (GRCh38, 1-based): chr15:48,427,603, A>G on the plus strand (T>C on the coding strand, the complement: FBN1 is on the minus strand). VCF-style: chr15-48427603-A-G. GRCh37 (hg19) VCF-style: chr15-48719800-A-G.
Other names: short protein forms C2390R.
Identifiers: ClinVar variation 42421 (VCV000042421.14), dbSNP rs397515847, ClinGen allele CA017045.
Genomic context (GRCh38, chr15:48,427,603, plus strand): 5'-ATTTTTGGACTATAAATGAAGTACCTGCTCCATTGGTCATGAATCCTCGGCCATGGGGAC[A>G]GAGTTTCTTGAAAGCCACAGTCCCCTGGAAAGGGCAGATCTCACAGTGGGGACCCCAGCC-3'
Protein context (NP_000129.3, residues 2380-2400): FQGTVAFKKL[Cys2390Arg]PHGRGFMTNG

ClinVar aggregate classification (germline): Pathogenic/Likely pathogenic. Review status: criteria provided, multiple submitters, no conflicts (2 of 4 stars). 3 submissions from 3 submitters: Pathogenic (1); Likely pathogenic (2). Last evaluated 2024-02-26.

Conditions:
Marfan Syndrome/Loeys-Dietz Syndrome/Familial Thoracic Aortic Aneurysms and Dissections. Identifiers: MedGen CN229799.
Marfan syndrome (MFS). Also called: FBN1-Related Marfan Syndrome; Marfan syndrome, classic; MARFAN SYNDROME, TYPE I; Marfan syndrome type 1; Marfan's syndrome. Identifiers: Orphanet 284963, Orphanet 558, MedGen C0024796, MONDO:0007947, OMIM 154700.
Familial thoracic aortic aneurysm and aortic dissection (TAAD). Also called: Thoracic aortic aneurysms and dissections. Identifiers: Orphanet 91387, MedGen C4707243, MONDO:0019625.

Submissions (3):

Labcorp Genetics (formerly Invitae), Labcorp
Classification: Pathogenic for Marfan syndrome; Familial thoracic aortic aneurysm and aortic dissection. Last evaluated: 2024-02-26. Review status: criteria provided, single submitter. Criteria: Invitae Variant Classification Sherloc (09022015). Collection method: clinical testing. Allele origin: germline.
Comment: This sequence change replaces cysteine, which is neutral and slightly polar, with arginine, which is basic and polar, at codon 2390 of the FBN1 protein (p.Cys2390Arg). This variant is not present in population databases (gnomAD no frequency). This missense change has been observed in individuals with clinical features of FBN1-related conditions (PMID: 33059708; Invitae). ClinVar contains an entry for this variant (Variation ID: 42421). Advanced modeling of protein sequence and biophysical properties (such as structural, functional, and spatial information, amino acid conservation, physicochemical variation, residue mobility, and thermodynamic stability) performed at Invitae indicates that this missense variant is expected to disrupt FBN1 protein function with a positive predictive value of 95%. This variant affects a cysteine residue in the EGF-like, TGFBP or hybrid motif domains of FBN1. Cysteine residues are believed to be involved in intramolecular disulfide bridges and have been shown to be important for FBN1 protein structure (PMID: 16905551, 19349279). In addition, missense substitutions affecting cysteine residues within these domains are significantly overrepresented among patients with Marfan syndrome (PMID: 16571647, 17701892). This variant disrupts the p.Cys2390 amino acid residue in FBN1. Other variant(s) that disrupt this residue have been observed in individuals with FBN1-related conditions (PMID: 17663468), which suggests that this may be a clinically significant amino acid residue. For these reasons, this variant has been classified as Pathogenic.

Women's Health and Genetics/Laboratory Corporation of America, LabCorp
Classification: Likely pathogenic for Marfan Syndrome/Loeys-Dietz Syndrome/Familial Thoracic Aortic Aneurysms and Dissections. Last evaluated: 2018-05-31. Review status: criteria provided, single submitter. Criteria: LabCorp Variant Classification Summary - May 2015. Collection method: clinical testing. Allele origin: germline.
Comment: Variant summary: FBN1 c.7168T>C (p.Cys2390Arg) results in a non-conservative amino acid change located in the TB domain of the encoded protein sequence. Five of five in-silico tools predict a damaging effect of the variant on protein function. The variant affects a Cysteine, which "The sulfhydryl group of cysteine is unique in its ability to participate in disulfide covalent cross-linkage. In fact, two thirds of fibrillin cysteine residues exist in the half-cystinyl form, suggesting their participation in intramolecular disulfide linkage. The cysteine residues in the EGF-like motif may also be necessary for intermolecular interactions with other fibrillin molecules or with other proteins (Dietz_1992)." This variant is not located within the conserved cystein residues of the EGF-like domain, however, cysteine subsitutions are a common finding in individuals with Marfan syndrome (Schrijver 1999) and are listed as one of the criteria for causal FBN1 mutation (Loeys_2010). The variant was absent in 245812 control chromosomes (gnomAD). The variant, c.7168T>C, has not been reported in the literature in individuals affected with Marfan Syndrome but it has been observed in three affected individuals (1 adult with Marfan syndrome and segregated with disease in 2 affected children) tested in another clinical lab. Another variant, c.7168T>A, which affects the same Cysteine, Cys2390Ser has been reported in an affected MFS pt (Rand-Hendrikson_2007). To our knowledge, no experimental evidence demonstrating an impact on protein function has been reported. A ClinVar submission from a clinical diagnostic laboratory (evaluation after 2014) cites the variant as "likely pathogenic." Based on the evidence outlined above, the variant was classified as likely pathogenic.

Laboratory for Molecular Medicine, Mass General Brigham Personalized Medicine
Classification: Likely pathogenic for Marfan syndrome. Last evaluated: 2015-11-20. Review status: criteria provided, single submitter. Criteria: LMM Criteria. Collection method: clinical testing. Allele origin: germline. Inheritance: Autosomal dominant inheritance. Observed: 3 variant alleles.
Comment: It wa s absent from large population studies. A different amino acid change at the sam e position (p.Cys2390Ser) has been reported in one individual with clinical feat ures of Marfan syndrome (Rand-Hendriksen 2007), suggesting that a change at this position may not be tolerated. Computational prediction tools and conservation analysis suggest that this variant may impact the protein, though this informati on is not predictive enough to determine pathogenicity. While cysteine subsituti ons are a common finding in individuals with Marfan syndrome (Schrijver 1999), t his variant is not located within the conserved cystein residues of the EGF-like domain. In summary, although additional studies are required to fully establish its clinical significance, the p.Cys2390Arg variant is likely pathogenic.

Literature cited by the submitters: PubMed 33059708 (cited by Labcorp Genetics (formerly Invitae), Labcorp); PubMed 16905551 (cited by Labcorp Genetics (formerly Invitae), Labcorp); PubMed 19349279 (cited by Labcorp Genetics (formerly Invitae), Labcorp); PubMed 16571647 (cited by Labcorp Genetics (formerly Invitae), Labcorp); PubMed 17701892 (cited by Labcorp Genetics (formerly Invitae), Labcorp); PubMed 17663468 (cited by Labcorp Genetics (formerly Invitae), Labcorp).